The following is an entry in ClinVar:

ClinVar aggregate classification (germline): Likely benign. Review status: criteria provided, multiple submitters, no conflicts (2 of 4 stars). 2 submissions from 2 submitters: Likely benign (2). Last evaluated 2026-01-28.

Allele frequency attached by ClinVar (database versions not stated): ESP Exome Variant Server 0.00032; gnomAD exomes 0.00002; ExAC 0.00004; TOPMed 0.00015; gnomAD 0.00017; 1000 Genomes Project 30x 0.00031.

Submissions (2):

Labcorp Genetics (formerly Invitae), Labcorp
Classification: Likely benign. Last evaluated: 2026-01-28. Review status: criteria provided, single submitter. Criteria: Invitae Variant Classification Sherloc (09022015). Collection method: clinical testing. Allele origin: germline.

Women's Health and Genetics/Laboratory Corporation of America, LabCorp
Classification: Likely benign. Last evaluated: 2024-12-18. Review status: criteria provided, single submitter. Criteria: LabCorp Variant Classification Summary - May 2015. Collection method: clinical testing. Allele origin: germline.
Comment: Variant summary: ABCC8 c.3557+12delA alters a non-conserved nucleotide located at a position not widely known to affect splicing. Consensus agreement among computation tools predict no significant impact on normal splicing. However, these predictions have yet to be confirmed by functional studies. The variant allele was found at a frequency of 3.2e-05 in 251258 control chromosomes, predominantly at a frequency of 0.00043 within the African or African-American subpopulation in the gnomAD database. The available data on variant occurrences in the general population are insufficient to allow any conclusion about variant significance. To our knowledge, no occurrence of c.3557+12delA in individuals affected with Congenital Hyperinsulinism and no experimental evidence demonstrating its impact on protein function have been reported. ClinVar contains an entry for this variant (Variation ID: 2733430). Based on the evidence outlined above, the variant was classified as likely benign.

NM_000352.6(ABCC8):c.3557+12del

Gene: ABCC8 (ATP binding cassette subfamily C member 8; minus strand). Cytogenetic location: 11p15.1.
Variant type: Deletion.
Coding change: c.3557+12del on transcript NM_000352.6 (MANE Select); 12 bases into the intron after coding-DNA position 3557, one base deleted (A; older notation c.3557+12delA).
Molecular consequence: intron variant.
Genome position (GRCh38, 1-based): chr11:17,404,500, T deleted on the plus strand (A on the coding strand, the reverse complement: ABCC8 is on the minus strand). VCF-style (leftmost placement, unchanged base first): chr11-17404499-CT-C. GRCh37 (hg19) VCF-style: chr11-17426046-CT-C.
Other names: c.3557+12delA (NM_000352.6); c.3554+12del (NM_001351297.2); c.3557+12del (NM_001351296.2); c.3623+12del (NM_001351295.2); c.3560+12del (NM_001287174.3).
Identifiers: ClinVar variation 2733430 (VCV002733430.4), dbSNP rs761643668, ClinGen allele CA5902783.